The following is an entry in ClinVar:

NM_004006.3(DMD):c.7600G>A (p.Ala2534Thr)

Gene: DMD (dystrophin; minus strand). Cytogenetic location: Xp21.1.
Variant type: single nucleotide variant.
Coding change: c.7600G>A on transcript NM_004006.3 (MANE Select); coding-DNA position 7600, G replaced by A.
Protein change: p.Ala2534Thr; replaces alanine 2534 with threonine.
Molecular consequence: missense variant.
Genome position (GRCh38, 1-based): chrX:31,729,691, C>T on the plus strand (G>A on the coding strand, the complement: DMD is on the minus strand). VCF-style: chrX-31729691-C-T. GRCh37 (hg19) VCF-style: chrX-31747808-C-T.
Other names: c.7576G>A, p.Ala2526Thr (NM_000109.4); c.7588G>A, p.Ala2530Thr (NM_004009.3); c.7231G>A, p.Ala2411Thr (NM_004010.3); c.3577G>A, p.Ala1193Thr (NM_004011.4); c.3568G>A, p.Ala1190Thr (NM_004012.4); c.220G>A, p.Ala74Thr (NM_004013.3, NM_004020.4, NM_004021.3 and 2 more transcripts); short protein forms A2534T, A1190T, A1193T, A2530T, A2411T, A2526T, A74T.
Identifiers: ClinVar variation 3634806 (VCV003634806.2).

ClinVar aggregate classification (germline): Uncertain significance (1 of 4 stars; one submission).

Conditions:
Duchenne muscular dystrophy (DMD). Also called: MUSCULAR DYSTROPHY, PSEUDOHYPERTROPHIC PROGRESSIVE, DUCHENNE TYPE; Duchenne Muscular Dystrophy (DMD). Identifiers: Orphanet 98896, MedGen C0013264, MONDO:0010679, OMIM 310200.

Submission:

Labcorp Genetics (formerly Invitae), Labcorp
Classification: Uncertain significance for Duchenne muscular dystrophy. Last evaluated: 2024-05-31. Review status: criteria provided, single submitter. Criteria: Invitae Variant Classification Sherloc (09022015). Collection method: clinical testing. Allele origin: germline.
Comment: This sequence change replaces alanine, which is neutral and non-polar, with threonine, which is neutral and polar, at codon 2534 of the DMD protein (p.Ala2534Thr). This variant is not present in population databases (gnomAD no frequency). This variant has not been reported in the literature in individuals affected with DMD-related conditions. Advanced modeling of protein sequence and biophysical properties (such as structural, functional, and spatial information, amino acid conservation, physicochemical variation, residue mobility, and thermodynamic stability) performed at Invitae indicates that this missense variant is not expected to disrupt DMD protein function with a negative predictive value of 95%. In summary, the available evidence is currently insufficient to determine the role of this variant in disease. Therefore, it has been classified as a Variant of Uncertain Significance.